The following is an entry in ClinVar:

NM_001039.4(SCNN1G):c.1374-10C>A

Gene: SCNN1G (sodium channel epithelial 1 subunit gamma; plus strand). Cytogenetic location: 16p12.2.
Variant type: single nucleotide variant.
Coding change: c.1374-10C>A on transcript NM_001039.4 (MANE Select); 10 bases into the intron before coding-DNA position 1374, C replaced by A.
Molecular consequence: intron variant.
Genome position (GRCh38, 1-based): chr16:23,212,827, C>A. VCF-style: chr16-23212827-C-A. GRCh37 (hg19) VCF-style: chr16-23224148-C-A.
Other names: p.?.
Identifiers: ClinVar variation 4684081 (VCV004684081.1).
Genomic context (GRCh38, chr16:23,212,827, plus strand): 5'-CCCAAGGGGTGAGACGGGTGGCTGGGTTGGGTTGGGCTGCCTACACTCATGCTGTCCCCT[C>A]CTCCCTTAGCTTTAAAGAGTGGACACTAACCACAAGCCTGGCACAATGGCCATCTGTGGT-3'

ClinVar aggregate classification (germline): Likely benign (1 of 4 stars; one submission).

Submission:

Mayo Clinic Laboratories, Mayo Clinic
Classification: Likely benign. Last evaluated: 2025-01-29. Review status: criteria provided, single submitter. Criteria: ACMG Guidelines, 2015. Collection method: clinical testing. Allele origin: germline. Observed: 1 variant allele.
Comment: BP4, BP7